The following is an entry in ClinVar:

NM_000435.3(NOTCH3):c.488G>A (p.Arg163Gln)

Gene: NOTCH3 (notch receptor 3; minus strand). Cytogenetic location: 19p13.12.
Variant type: single nucleotide variant.
Coding change: c.488G>A on transcript NM_000435.3 (MANE Select); coding-DNA position 488, G replaced by A.
Protein change: p.Arg163Gln; replaces arginine 163 with glutamine.
Molecular consequence: missense variant.
Genome position (GRCh38, 1-based): chr19:15,192,151, C>T on the plus strand (G>A on the coding strand, the complement: NOTCH3 is on the minus strand). VCF-style: chr19-15192151-C-T. GRCh37 (hg19) VCF-style: chr19-15302962-C-T.
Other names: p.Arg163Gln; short protein forms R163Q.
Identifiers: ClinVar variation 804638 (VCV000804638.6), dbSNP rs761209241, ClinGen allele CA9263872.

ClinVar aggregate classification (germline): Conflicting classifications of pathogenicity. Review status: criteria provided, conflicting classifications (1 of 4 stars). 4 submissions from 4 submitters: Uncertain significance (3); Likely benign (1). Last evaluated 2026-07-17.

Conditions:
NOTCH3-related disorder. Also called: NOTCH3-related condition; NOTCH3-related disorders.

Allele frequency attached by ClinVar (database versions not stated): gnomAD exomes 0.00001 and 0.00002; TOPMed 0.00002; ExAC 0.00003; gnomAD 0.00004.

Submissions (4):

PreventionGenetics, part of Exact Sciences
Classification: Uncertain significance for NOTCH3-related condition. Last evaluated: 2026-07-17. Review status: criteria provided, single submitter. Criteria: ACMG Guidelines, 2015. Collection method: clinical testing. Allele origin: germline.
Comment: The NOTCH3 c.488G>A variant is predicted to result in the amino acid substitution p.Arg163Gln. This variant has been reported in an individual with clinical suspicion of CADASIL (Min et al. 2022. PubMed ID: 34741685). This variant is predicted to alter splicing based on available splicing prediction programs (SpliceAI, Jaganathan et al. 2019. PubMed ID: 30661751); however, the use of computer prediction programs is not equivalent to functional evidence. Most CADASIL causing variants in the NOTCH3 gene result in the gain or loss of one or more cysteine residues in the extracellular domains of the protein. This variant is located in an EGF-like domain in the protein, but does not involve a cysteine residue. This variant is reported in 0.0082% of alleles in individuals of African descent in gnomAD and has conflicting interpretations in ClinVar ranging from likely benign to uncertain (Variation ID: 804638). Although we suspect that this variant may be benign, at this time, the clinical significance of this variant is uncertain due to the absence of conclusive functional and genetic evidence.

Labcorp Genetics (formerly Invitae), Labcorp
Classification: Likely benign. Last evaluated: 2024-11-04. Review status: criteria provided, single submitter. Criteria: Invitae Variant Classification Sherloc (09022015). Collection method: clinical testing. Allele origin: germline.

Mayo Clinic Laboratories, Mayo Clinic
Classification: Uncertain significance. Last evaluated: 2023-08-07. Review status: criteria provided, single submitter. Criteria: ACMG Guidelines, 2015. Collection method: clinical testing. Allele origin: germline. Observed: 1 variant allele.
Comment: BS2

Athena Diagnostics
Classification: Uncertain significance. Last evaluated: 2019-03-11. Review status: criteria provided, single submitter. Criteria: Athena Diagnostics Criteria. Collection method: clinical testing. Allele origin: germline.

Literature cited by the submitters: PubMed 34741685 (cited by Mayo Clinic Laboratories, Mayo Clinic).